The following is an entry in ClinVar:

ClinVar aggregate classification (germline): Uncertain significance. Review status: reviewed by expert panel (3 of 4 stars). 2 submissions from 2 submitters: Uncertain significance (1). 1 of the submissions does not count toward it. Last evaluated 2025-08-01.

Conditions:
Central core myopathy (CMYO1A). Also called: CONGENITAL MYOPATHY 1A, AUTOSOMAL DOMINANT, WITH SUSCEPTIBILITY TO MALIGNANT HYPERTHERMIA; Central core disease; Myopathy, central fibrillar. Identifiers: Orphanet 597, MedGen C5830701, MONDO:0007294, OMIM 117000.
Malignant hyperthermia, susceptibility to, 1 (MHS1). Also called: Anesthesia related hyperthermia; Malignant hyperpyrexia; Fulminating hyperpyrexia; Pharmacogenic myopathy; Malignant hyperthermia suceptibility 1; RYR1-Related Malignant Hyperthermia Susceptibility. Identifiers: Orphanet 423, MedGen C2930980, MONDO:0007783, OMIM 145600.
Congenital multicore myopathy with external ophthalmoplegia (CMYO1B). Also called: MULTIMINICORE DISEASE WITH EXTERNAL OPHTHALMOPLEGIA; MULTICORE MYOPATHY; Minicore myopathy with external ophthalmoplegia; Congenital myopathy 1B, autosomal recessive; Minicore myopathy. Identifiers: Orphanet 598, Orphanet 98905, MedGen C1850674, MONDO:0009712, OMIM 255320, HP:0003789.
Congenital myopathy with fiber type disproportion. Also called: Congenital fiber-type disproportion; Congenital fiber-type disproportion myopathy. Identifiers: Orphanet 2020, MedGen C0546264, MONDO:0009711. Inheritance: all.
King Denborough syndrome (KDS). Identifiers: MedGen C1840365, MONDO:0020485, OMIM 619542.
Malignant hyperthermia of anesthesia. Also called: Anesthesic-triggered malignant hyperthermia. Identifiers: Orphanet 423, MedGen C0024591, MONDO:0018493, HP:0034733.

gnomAD v4.1: 1 of 1,613,252 alleles (0.000062%); highest among the groups gnomAD compares: Admixed American, 0.0017%; no homozygotes.

Submissions (2):

ClinGen Malignant Hyperthermia Susceptibility Variant Curation Expert Panel, ClinGen
Classification: Uncertain significance for Malignant hyperthermia of anesthesia. Last evaluated: 2025-08-01. Review status: reviewed by expert panel. Criteria: ClinGen MHS ACMG Specifications V1. Collection method: curation. Allele origin: germline. Inheritance: Autosomal dominant inheritance.
Comment: This pathogenicity assessment is relevant only for malignant hyperthermia susceptibility (MHS) inherited in an autosomal dominant pattern. Variants in RYR1 can also cause other myopathies inherited in an autosomal dominant pattern or in an autosomal recessive pattern. Some of these disorders may predispose individuals to malignant hyperthermia. RYR1 variants may also contribute to a malignant hyperthermia reaction in combination with other genetic and non-genetic factors and the clinician needs to consider such factors in making management decisions. This sequence variant predicts a substitution of guanine with thymine at position 14364+1 of the RYR1 cDNA, c.14364+1G>T. This variant was not present in a large population database (gnomAD) at the time this variant was interpreted. This variant has been reported in an individual with a personal or family history of an MH episode and a positive in vitro contracture test (IVCT) or caffeine halothane contracture test (CHCT) result (if the proband was unavailable for testing, a positive diagnostic test result in a mutation-positive relative was counted), PS4_Supporting (PMID: 25960145). No functional studies were identified for this variant. This variant does not reside in a hotspot for pathogenic variants that contribute to MHS. This variant is predicted to disrupt splicing, however, loss of function of RYR1 is not a common molecular etiology for MHS. This variant has been classified as a Variant of Unknown Significance. Criteria implemented: PS4_Supporting.

Fulgent Genetics
Classification: Uncertain significance for Central core myopathy; Malignant hyperthermia, susceptibility to, 1; Congenital myopathy 4A, autosomal dominant; Congenital multicore myopathy with external ophthalmoplegia; King Denborough syndrome. Last evaluated: 2022-04-03. Review status: criteria provided, single submitter. Criteria: ACMG Guidelines, 2015. Collection method: clinical testing. Allele origin: unknown. Not counted in ClinVar's aggregate classification.

NM_000540.3(RYR1):c.14364+1G>T

Gene: RYR1 (ryanodine receptor 1; plus strand). Cytogenetic location: 19q13.2.
Variant type: single nucleotide variant.
Coding change: c.14364+1G>T on transcript NM_000540.3 (MANE Select); the canonical splice donor site of the intron after coding-DNA position 14364, G replaced by T.
Molecular consequence: splice donor variant.
Genome position (GRCh38, 1-based): chr19:38,578,205, G>T. VCF-style: chr19-38578205-G-T. GRCh37 (hg19) VCF-style: chr19-39068845-G-T.
Other names: c.14349+1G>T (NM_001042723.2).
Identifiers: ClinVar variation 1330370 (VCV001330370.3), dbSNP rs1974046221, ClinGen allele CA405685492.